The following is an entry in ClinVar:

NM_017849.4(TMEM127):c.669A>T (p.Glu223Asp)

Gene: TMEM127 (transmembrane protein 127; minus strand). Cytogenetic location: 2q11.2.
Variant type: single nucleotide variant.
Coding change: c.669A>T on transcript NM_017849.4 (MANE Select); coding-DNA position 669, A replaced by T.
Protein change: p.Glu223Asp; replaces glutamic acid 223 with aspartic acid.
Molecular consequence: missense variant.
Genome position (GRCh38, 1-based): chr2:96,253,856, T>A on the plus strand (A>T on the coding strand, the complement: TMEM127 is on the minus strand). VCF-style: chr2-96253856-T-A. GRCh37 (hg19) VCF-style: chr2-96919594-T-A.
Other names: c.669A>T, p.Glu223Asp (NM_001193304.3); short protein forms E223D.
Identifiers: ClinVar variation 655845 (VCV000655845.8), dbSNP rs1431574710, ClinGen allele CA347651339.

ClinVar aggregate classification (germline): Uncertain significance (1 of 4 stars; one submission).

Conditions:
Hereditary pheochromocytoma and paraganglioma. Also called: Hereditary paragangliomas and pheochromocytomas; Hereditary pheochromocytoma-paraganglioma; Hereditary Paraganglioma-Pheochromocytoma Syndromes. Identifiers: Orphanet 29072, MedGen C4274332, MONDO:0017366.

Submission:

Labcorp Genetics (formerly Invitae), Labcorp
Classification: Uncertain significance for Hereditary pheochromocytoma and paraganglioma. Last evaluated: 2018-07-14. Review status: criteria provided, single submitter. Criteria: Invitae Variant Classification Sherloc (09022015). Collection method: clinical testing. Allele origin: germline.
Comment: This sequence change replaces glutamic acid with aspartic acid at codon 223 of the TMEM127 protein (p.Glu223Asp). The glutamic acid residue is highly conserved and there is a small physicochemical difference between glutamic acid and aspartic acid. This variant is not present in population databases (ExAC no frequency). This variant has not been reported in the literature in individuals with TMEM127-related disease. Algorithms developed to predict the effect of missense changes on protein structure and function (SIFT, PolyPhen-2, Align-GVGD) all suggest that this variant is likely to be tolerated, but these predictions have not been confirmed by published functional studies and their clinical significance is uncertain. In summary, the available evidence is currently insufficient to determine the role of this variant in disease. Therefore, it has been classified as a Variant of Uncertain Significance.